The following is an entry in ClinVar:

NM_033028.5(BBS4):c.211T>A (p.Tyr71Asn)

Gene: BBS4 (Bardet-Biedl syndrome 4; plus strand). Cytogenetic location: 15q24.1.
Variant type: single nucleotide variant.
Coding change: c.211T>A on transcript NM_033028.5 (MANE Select); coding-DNA position 211, T replaced by A.
Protein change: p.Tyr71Asn; replaces tyrosine 71 with asparagine.
Molecular consequence: missense variant. On other transcripts: 5 prime UTR variant (1), non-coding transcript variant (2).
Genome position (GRCh38, 1-based): chr15:72,712,298, T>A. VCF-style: chr15-72712298-T-A. GRCh37 (hg19) VCF-style: chr15-73004639-T-A.
Other names: c.-311T>A (NM_001252678.2); c.211T>A, p.Tyr71Asn (NM_001320665.2); short protein forms Y71N.
Identifiers: ClinVar variation 3346820 (VCV003346820.1).

ClinVar aggregate classification (germline): Uncertain significance (0 of 4 stars; one submission).

Conditions:
BBS4-related disorder. Also called: BBS4-related condition.

Submission:

PreventionGenetics, part of Exact Sciences
Classification: Uncertain significance for BBS4-related condition. Last evaluated: 2024-09-16. Review status: no assertion criteria provided. Collection method: clinical testing. Allele origin: germline.
Comment: The BBS4 c.211T>A variant is predicted to result in the amino acid substitution p.Tyr71Asn. To our knowledge, this variant has not been reported in the literature or in a large population database, indicating this variant is rare. At this time, the clinical significance of this variant is uncertain due to the absence of conclusive functional and genetic evidence.